The following is an entry in ClinVar:

ClinVar aggregate classification (germline): Uncertain significance. Review status: criteria provided, multiple submitters, no conflicts (2 of 4 stars). 2 submissions from 2 submitters: Uncertain significance (2). Last evaluated 2024-11-25.

Conditions:
Immunodeficiency 51 (IMD51). Also called: CANDIDIASIS, FAMILIAL, 5. Identifiers: Orphanet 1334, MedGen C4310803, MONDO:0013500, OMIM 613953.

Allele frequency attached by ClinVar (database versions not stated): ExAC 0.00010; gnomAD 0.00015 and 0.00019; TOPMed 0.00016.
gnomAD v4.1: 61 of 1,585,898 alleles (0.0038%); highest among the groups gnomAD compares: African/African-American, 0.063%; no homozygotes.

Submissions (2):

Ambry Genetics
Classification: Uncertain significance. Last evaluated: 2024-11-25. Review status: criteria provided, single submitter. Criteria: Ambry Variant Classification Scheme 2023. Collection method: clinical testing. Allele origin: germline.

Labcorp Genetics (formerly Invitae), Labcorp
Classification: Uncertain significance for Immunodeficiency 51. Last evaluated: 2023-10-03. Review status: criteria provided, single submitter. Criteria: Invitae Variant Classification Sherloc (09022015). Collection method: clinical testing. Allele origin: germline.
Comment: This sequence change replaces proline, which is neutral and non-polar, with leucine, which is neutral and non-polar, at codon 709 of the IL17RA protein (p.Pro709Leu). This variant is present in population databases (rs757383824, gnomAD 0.06%). This variant has not been reported in the literature in individuals affected with IL17RA-related conditions. ClinVar contains an entry for this variant (Variation ID: 971918). Advanced modeling of protein sequence and biophysical properties (such as structural, functional, and spatial information, amino acid conservation, physicochemical variation, residue mobility, and thermodynamic stability) performed at Invitae indicates that this missense variant is not expected to disrupt IL17RA protein function. In summary, the available evidence is currently insufficient to determine the role of this variant in disease. Therefore, it has been classified as a Variant of Uncertain Significance.

NM_014339.7(IL17RA):c.2126C>T (p.Pro709Leu)

Gene: IL17RA (interleukin 17 receptor A; plus strand). Cytogenetic location: 22q11.1.
Variant type: single nucleotide variant.
Coding change: c.2126C>T on transcript NM_014339.7 (MANE Select); coding-DNA position 2126, C replaced by T.
Protein change: p.Pro709Leu; replaces proline 709 with leucine.
Molecular consequence: missense variant.
Genome position (GRCh38, 1-based): chr22:17,109,345, C>T. VCF-style: chr22-17109345-C-T. GRCh37 (hg19) VCF-style: chr22-17590235-C-T.
Other names: c.2126C>T (NM_014339.5); c.2024C>T, p.Pro675Leu (NM_001289905.2); short protein forms P675L, P709L.
Identifiers: ClinVar variation 971918 (VCV000971918.8), dbSNP rs757383824, ClinGen allele CA10086908.